The following is an entry in ClinVar:

ClinVar aggregate classification (germline): Pathogenic. Review status: criteria provided, multiple submitters, no conflicts (2 of 4 stars). 2 submissions from 2 submitters: Pathogenic (2). Last evaluated 2024-07-23.

Conditions:
Familial hypocalciuric hypercalcemia (FHH). Also called: Familial benign hypercalcemia. Identifiers: Orphanet 405, MedGen C1809471, MONDO:0018458.
Autosomal dominant hypocalcemia 1 (HYPOC1). Also called: HYPOCALCEMIA, FAMILIAL. Identifiers: MedGen C3715128, MONDO:0011013, OMIM 601198.

Submissions (2):

Labcorp Genetics (formerly Invitae), Labcorp
Classification: Pathogenic for Familial hypocalciuric hypercalcemia; Autosomal dominant hypocalcemia 1. Last evaluated: 2024-07-23. Review status: criteria provided, single submitter. Criteria: Invitae Variant Classification Sherloc (09022015). Collection method: clinical testing. Allele origin: germline.
Comment: This sequence change creates a premature translational stop signal (p.Gln193*) in the CASR gene. It is expected to result in an absent or disrupted protein product. Loss-of-function variants in CASR are known to be pathogenic (PMID: 11807402, 14985373, 22422767). This variant is not present in population databases (gnomAD no frequency). This variant has not been reported in the literature in individuals affected with CASR-related conditions. ClinVar contains an entry for this variant (Variation ID: 419616). For these reasons, this variant has been classified as Pathogenic.

GeneDx
Classification: Pathogenic. Last evaluated: 2015-08-17. Review status: criteria provided, single submitter. Criteria: GeneDx Variant Classification (06012015). Collection method: clinical testing. Allele origin: germline. Affected: yes.
Comment: The Q193X nonsense variant in the CASR gene is predicted to cause loss of normal protein function eitherthrough protein truncation or nonsense-mediated mRNA decay. The Q193X variant was not observed inapproximately 6,500 individuals of European and African American ancestry in the NHLBI Exome SequencingProject, indicating it is not a common benign variant in these populations. In addition, multiple other nonsensevariants (R227X, R185X, Q164X) have been reported in the Human Gene Mutation Database in associationwith hypocalciuric hypocalcemia (Stenson et al., 2014). Although this variant has not been previouslyreported to our knowledge, we interpret it to be pathogenic.

Literature cited by the submitters: PubMed 11807402 (cited by Labcorp Genetics (formerly Invitae), Labcorp); PubMed 14985373 (cited by Labcorp Genetics (formerly Invitae), Labcorp); PubMed 22422767 (cited by Labcorp Genetics (formerly Invitae), Labcorp).

NM_000388.4(CASR):c.577C>T (p.Gln193Ter)

Gene: CASR (calcium sensing receptor; plus strand). Cytogenetic location: 3q21.1.
Variant type: single nucleotide variant.
Coding change: c.577C>T on transcript NM_000388.4 (MANE Select); coding-DNA position 577, C replaced by T.
Protein change: p.Gln193Ter; replaces glutamine 193 with a stop codon.
Molecular consequence: nonsense.
Genome position (GRCh38, 1-based): chr3:122,261,612, C>T. VCF-style: chr3-122261612-C-T. GRCh37 (hg19) VCF-style: chr3-121980459-C-T.
Other names: c.577C>T, p.Gln193Ter (NM_001178065.2); short protein forms Q193*.
Identifiers: ClinVar variation 419616 (VCV000419616.7), dbSNP rs1064793992, ClinGen allele CA16617814.
Genomic context (GRCh38, chr3:122,261,612, plus strand): 5'-CTCCTCAGCAACAAGAATCAATTCAAGTCTTTCCTCCGAACCATCCCCAATGATGAGCAC[C>T]AGGCCACTGCCATGGCAGACATCATCGAGTATTTCCGCTGGAACTGGGTGGGCACAATTG-3'